The following is an entry in ClinVar:

ClinVar aggregate classification (germline): Uncertain significance (1 of 4 stars; one submission).

gnomAD v4.1: 12 of 699,610 alleles (0.0017%); highest among the groups gnomAD compares: South Asian, 0.003%; no homozygotes.

Submission:

Labcorp Genetics (formerly Invitae), Labcorp
Classification: Uncertain significance. Last evaluated: 2023-03-27. Review status: criteria provided, single submitter. Criteria: Invitae Variant Classification Sherloc (09022015). Collection method: clinical testing. Allele origin: germline.
Comment: In summary, the available evidence is currently insufficient to determine the role of this variant in disease. Therefore, it has been classified as a Variant of Uncertain Significance. This variant disrupts the n.40C nucleotide in the RNU4ATAC gene. Other variant(s) that disrupt this nucleotide have been determined to be pathogenic (PMID: 26641461, 27040866, 32628740). This suggests that this nucleotide is clinically significant, and that variants that disrupt this position are likely to be disease-causing. Experimental studies and prediction algorithms are not available or were not evaluated, and the functional significance of this variant is currently unknown. ClinVar contains an entry for this variant (Variation ID: 1912324). This variant has not been reported in the literature in individuals affected with RNU4ATAC-related conditions. This variant is present in population databases (no rsID available, gnomAD 0.01%). This variant occurs in the RNU4ATAC gene, which encodes an RNA molecule that does not result in a protein product.

Literature cited by the submitters: PubMed 26641461; PubMed 27040866; PubMed 32628740.

NC_000002.12:g.121530919C>G

Genes: CLASP1 (cytoplasmic linker associated protein 1; minus strand), CLASP1-AS1 (CLASP1 antisense RNA 1; plus strand), RNU4ATAC (RNA, U4atac small nuclear; plus strand). Cytogenetic location: 2q14.2.
Variant type: single nucleotide variant.
Molecular consequence: intron variant (on NM_001395891.1).
Genome position: GRCh38 VCF-style: chr2-121530919-C-G. GRCh37 (hg19) VCF-style: chr2-122288495-C-G.
Other names: c.196-594G>C (NM_001142274.2, NM_015282.3, NM_001378003.1 and 5 more transcripts).
Identifiers: ClinVar variation 1912324 (VCV001912324.3), dbSNP rs139495292, ClinGen allele CA54810832.